The following is an entry in ClinVar:

NM_001369.3(DNAH5):c.8464_8466delinsA (p.Trp2822fs)

Gene: DNAH5 (dynein axonemal heavy chain 5; minus strand). Cytogenetic location: 5p15.2.
Variant type: Indel.
Coding change: c.8464_8466delinsA on transcript NM_001369.3 (MANE Select); coding-DNA positions 8464 to 8466, TGG replaced by A.
Protein change: p.Trp2822fs; shifts the reading frame from tryptophan 2822.
Molecular consequence: frameshift variant.
Genome position (GRCh38, 1-based): chr5:13,788,897-13,788,899, CCA replaced by T on the plus strand (TGG replaced by A on the coding strand, the reverse complement: DNAH5 is on the minus strand). VCF-style: chr5-13788897-CCA-T. GRCh37 (hg19) VCF-style: chr5-13789006-CCA-T.
Other names: short protein forms W2822fs.
Identifiers: ClinVar variation 5015688 (VCV005015688.1).

ClinVar aggregate classification (germline): Pathogenic (1 of 4 stars; one submission).

Conditions:
Primary ciliary dyskinesia 3. Identifiers: Orphanet 244, MedGen C1837618, MONDO:0012085, OMIM 608644.

Submission:

Myriad Genetics, Inc.
Classification: Pathogenic for Primary ciliary dyskinesia 3. Last evaluated: 2024-05-14. Review status: criteria provided, single submitter. Criteria: Myriad Autosomal Dominant, Autosomal Recessive and X-Linked Classification Criteria (2023). Collection method: clinical testing. Allele origin: unknown.
Comment: NM_001369.2(DNAH5):c.8464_8466delTGGinsA(W2822Kfs*3) is expected to be pathogenic in the context of primary ciliary dyskinesia, DNAH5-related. This variant is predicted to lead to an abnormal or absent protein product due to the creation of a premature termination codon in DNAH5, a gene where loss-of-function variants are known to be pathogenic. Please note: this variant was assessed in the context of healthy population screening.